The following is an entry in ClinVar:

ClinVar aggregate classification (germline): Uncertain significance. Review status: criteria provided, multiple submitters, no conflicts (2 of 4 stars). 3 submissions from 3 submitters: Uncertain significance (3). Last evaluated 2025-02-07.

Conditions:
Cenani-Lenz syndactyly syndrome. Also called: SYNDACTYLY, TYPE VII; CENANI SYNDACTYLISM. Identifiers: Orphanet 3258, MedGen C1859309, MONDO:0008931, OMIM 212780.
Sclerosteosis 2 (SOST2). Identifiers: Orphanet 3152, MedGen C3280402, MONDO:0013679, OMIM 614305.
Congenital myasthenic syndrome 17. Identifiers: Orphanet 590, MedGen C4225377, MONDO:0014578, OMIM 616304.

Allele frequency attached by ClinVar (database versions not stated): TOPMed 0.00008; ESP Exome Variant Server 0.00031; gnomAD 0.00008 and 0.00007; ExAC 0.00019; gnomAD exomes 0.00005 and 0.00012.
gnomAD v4.1: 87 of 1,614,002 alleles (0.0054%); highest among the groups gnomAD compares: Admixed American, 0.01%; no homozygotes.

Submissions (3):

Revvity Omics, Revvity
Classification: Uncertain significance. Last evaluated: 2025-02-07. Review status: criteria provided, single submitter. Criteria: ACMG Guidelines, 2015. Collection method: clinical testing. Allele origin: germline.

Labcorp Genetics (formerly Invitae), Labcorp
Classification: Uncertain significance for Cenani-Lenz syndactyly syndrome; Sclerosteosis 2; Congenital myasthenic syndrome 17. Last evaluated: 2024-08-05. Review status: criteria provided, single submitter. Criteria: Invitae Variant Classification Sherloc (09022015). Collection method: clinical testing. Allele origin: germline.
Comment: This sequence change replaces valine, which is neutral and non-polar, with isoleucine, which is neutral and non-polar, at codon 826 of the LRP4 protein (p.Val826Ile). This variant is present in population databases (rs142660660, gnomAD 0.02%). This variant has not been reported in the literature in individuals affected with LRP4-related conditions. ClinVar contains an entry for this variant (Variation ID: 946150). An algorithm developed to predict the effect of missense changes on protein structure and function (PolyPhen-2) suggests that this variant¬¨‚Ä†is likely to be tolerated. In summary, the available evidence is currently insufficient to determine the role of this variant in disease. Therefore, it has been classified as a Variant of Uncertain Significance.

Fulgent Genetics
Classification: Uncertain significance for Cenani-Lenz syndactyly syndrome; Sclerosteosis 2; Congenital myasthenic syndrome 17. Last evaluated: 2024-04-05. Review status: criteria provided, single submitter. Criteria: ACMG Guidelines, 2015. Collection method: clinical testing. Allele origin: germline.

NM_002334.4(LRP4):c.2476G>A (p.Val826Ile)

Gene: LRP4 (LDL receptor related protein 4; minus strand). Cytogenetic location: 11p11.2.
Variant type: single nucleotide variant.
Coding change: c.2476G>A on transcript NM_002334.4 (MANE Select); coding-DNA position 2476, G replaced by A.
Protein change: p.Val826Ile; replaces valine 826 with isoleucine.
Molecular consequence: missense variant.
Genome position (GRCh38, 1-based): chr11:46,886,121, C>T on the plus strand (G>A on the coding strand, the complement: LRP4 is on the minus strand). VCF-style: chr11-46886121-C-T. GRCh37 (hg19) VCF-style: chr11-46907672-C-T.
Other names: short protein forms V826I.
Identifiers: ClinVar variation 946150 (VCV000946150.8), dbSNP rs142660660, ClinGen allele CA5969894.
Genomic context (GRCh38, chr11:46,886,121, plus strand): 5'-CCAGGCAGGCCACGGCTCCCCTATGCATACCTGCATCTGTCCAGTACAGTTTGTTGGTGA[C>T]CCAATCAATGGCCAGGCCAGCTGGGCTCTCCAAACTGGTATCCACTACCACCTGGGCAGG-3'
Protein context (NP_002325.2, residues 816-836): ESPAGLAIDW[Val826Ile]TNKLYWTDAG